The following is an entry in ClinVar:

NM_002386.4(MC1R):c.875T>C (p.Ile292Thr)

Gene: MC1R (melanocortin 1 receptor; plus strand). Cytogenetic location: 16q24.3.
Variant type: single nucleotide variant.
Coding change: c.875T>C on transcript NM_002386.4 (MANE Select); coding-DNA position 875, T replaced by C.
Protein change: p.Ile292Thr; replaces isoleucine 292 with threonine.
Molecular consequence: missense variant.
Genome position (GRCh38, 1-based): chr16:89,920,133, T>C. VCF-style: chr16-89920133-T-C. GRCh37 (hg19) VCF-style: chr16-89986541-T-C.
Other names: short protein forms I292T.
Identifiers: ClinVar variation 2066033 (VCV002066033.4), dbSNP rs376425491, ClinGen allele CA8255790.
Genomic context (GRCh38, chr16:89,920,133, plus strand): 5'-CGTGCGGCTGCATCTTCAAGAACTTCAACCTCTTTCTCGCCCTCATCATCTGCAATGCCA[T>C]CATCGACCCCCTCATCTACGCCTTCCACAGCCAGGAGCTCCGCAGGACGCTCAAGGAGGT-3'
Protein context (NP_002377.4, residues 282-302): LFLALIICNA[Ile292Thr]IDPLIYAFHS

ClinVar aggregate classification (germline): Uncertain significance (1 of 4 stars; one submission).

Conditions:
Melanoma, cutaneous malignant, susceptibility to, 5. Also called: Cutaneous malignant melanoma 5. Identifiers: Orphanet 618, MedGen C2751295, MONDO:0013133, OMIM 613099.

Allele frequency attached by ClinVar (database versions not stated): gnomAD exomes below 0.00001; ExAC 0.00001; gnomAD 0.00001; TOPMed 0.00003; ESP Exome Variant Server 0.00008.
gnomAD v4.1: 4 of 1,613,660 alleles (0.00025%); highest among the groups gnomAD compares: African/African-American, 0.0027%; no homozygotes.

Submission:

Labcorp Genetics (formerly Invitae), Labcorp
Classification: Uncertain significance for Melanoma, cutaneous malignant, susceptibility to, 5. Last evaluated: 2022-07-21. Review status: criteria provided, single submitter. Criteria: Invitae Variant Classification Sherloc (09022015). Collection method: clinical testing. Allele origin: germline.
Comment: This sequence change replaces isoleucine, which is neutral and non-polar, with threonine, which is neutral and polar, at codon 292 of the MC1R protein (p.Ile292Thr). This variant is present in population databases (rs376425491, gnomAD 0.007%). This variant has not been reported in the literature in individuals affected with MC1R-related conditions. Algorithms developed to predict the effect of missense changes on protein structure and function (SIFT, PolyPhen-2, Align-GVGD) all suggest that this variant is likely to be tolerated. In summary, the available evidence is currently insufficient to determine the role of this variant in disease. Therefore, it has been classified as a Variant of Uncertain Significance.